The following is an entry in ClinVar:

NM_000465.4(BARD1):c.1772T>A (p.Ile591Asn)

Gene: BARD1 (BRCA1 associated RING domain 1; minus strand). Cytogenetic location: 2q35.
Variant type: single nucleotide variant.
Coding change: c.1772T>A on transcript NM_000465.4 (MANE Select); coding-DNA position 1772, T replaced by A.
Protein change: p.Ile591Asn; replaces isoleucine 591 with asparagine.
Molecular consequence: missense variant. On other transcripts: non-coding transcript variant (3), intron variant (1).
Genome position (GRCh38, 1-based): chr2:214,745,760, A>T on the plus strand (T>A on the coding strand, the complement: BARD1 is on the minus strand). VCF-style: chr2-214745760-A-T. GRCh37 (hg19) VCF-style: chr2-215610484-A-T.
Other names: c.1715T>A, p.Ile572Asn (NM_001282543.2); c.419T>A, p.Ile140Asn (NM_001282545.2); c.362T>A, p.Ile121Asn (NM_001282548.2); c.365-15252T>A (NM_001282549.2); c.1772T>A (NM_000465.3); short protein forms I591N, I121N, I140N, I572N.
Identifiers: ClinVar variation 246505 (VCV000246505.4), dbSNP rs879254291, ClinGen allele CA10584175.

ClinVar aggregate classification (germline): Uncertain significance. Review status: criteria provided, multiple submitters, no conflicts (2 of 4 stars). 3 submissions from 3 submitters: Uncertain significance (3). Last evaluated 2026-07-07.

Conditions:
Hereditary cancer-predisposing syndrome. Also called: Tumor predisposition; Neoplastic Syndromes, Hereditary; Hereditary Cancer Syndrome; Hereditary neoplastic syndrome. Identifiers: Orphanet 140162, MedGen C0027672, MeSH D009386, MONDO:0015356.

Submissions (3):

Ambry Genetics
Classification: Uncertain significance for Hereditary cancer-predisposing syndrome. Last evaluated: 2026-07-07. Review status: criteria provided, single submitter. Criteria: Ambry Variant Classification Scheme 2023. Collection method: clinical testing. Allele origin: germline.
Comment: The p.I591N variant (also known as c.1772T>A), located in coding exon 8 of the BARD1 gene, results from a T to A substitution at nucleotide position 1772. The isoleucine at codon 591 is replaced by asparagine, an amino acid with dissimilar properties. This amino acid position is conserved. In addition, the in silico prediction for this alteration is inconclusive. Based on the available evidence, the clinical significance of this variant remains unclear.

Women's Health and Genetics/Laboratory Corporation of America, LabCorp
Classification: Uncertain significance. Last evaluated: 2023-06-02. Review status: criteria provided, single submitter. Criteria: LabCorp Variant Classification Summary - May 2015. Collection method: clinical testing. Allele origin: germline.

GeneDx
Classification: Uncertain significance. Last evaluated: 2016-03-14. Review status: criteria provided, single submitter. Criteria: GeneDx Variant Classification (06012015). Collection method: clinical testing. Allele origin: germline. Affected: yes.
Comment: This variant is denoted BARD1 c.1772T>A at the cDNA level, p.Ile591Asn (I591N) at the protein level, and results in the change of an Isoleucine to an Asparagine (ATT>AAT). This variant has not, to our knowledge, been published in the literature as pathogenic or benign. BARD1 Ile591Asn was not observed in approximately 6,500 individuals of European and African American ancestry in the NHLBI Exome Sequencing Project, suggesting it is not a common benign variant in these populations. Since Isoleucine and Asparagine differ in polarity, charge, size or other properties, this is considered a non-conservative amino acid substitution. BARD1 Ile591Asn occurs at a position where amino acids with properties similar to Isoleucine are tolerated across species and is located within the BRCT1 domain (Uniprot). In silico analyses are inconsistent regarding the effect this variant may have on protein structure and function. Based on currently available evidence, it is unclear whether BARD1 Ile591Asn is a pathogenic or benign variant. We consider it to be a variant of uncertain significance.